The following is an entry in ClinVar:

ClinVar aggregate classification (germline): Likely pathogenic (1 of 4 stars; one submission).

Conditions:
Pyridoxine-dependent epilepsy (EPEO4). Also called: Pyridoxine-Dependent Seizures; EPILEPSY, EARLY-ONSET, 4, VITAMIN B6-DEPENDENT; PYRIDOXINE DEPENDENCY WITH SEIZURES; Pyridoxine-Dependent Epilepsy - ALDH7A1. Identifiers: Orphanet 3006, MedGen C1849508, MONDO:0009945, OMIM 266100. Disease mechanism: loss of function.

Submission:

Labcorp Genetics (formerly Invitae), Labcorp
Classification: Likely pathogenic for Pyridoxine-dependent epilepsy. Last evaluated: 2025-05-07. Review status: criteria provided, single submitter. Criteria: Invitae Variant Classification Sherloc (09022015). Collection method: clinical testing. Allele origin: germline.
Comment: This sequence change affects an acceptor splice site in intron 2 of the ALDH7A1 gene. It is expected to disrupt RNA splicing. Variants that disrupt the donor or acceptor splice site typically lead to a loss of protein function (PMID: 16199547), and loss-of-function variants in ALDH7A1 are known to be pathogenic (PMID: 16491085, 20554659). This variant is not present in population databases (gnomAD no frequency). Disruption of this splice site has been observed in individual(s) with pyridoxine-dependent epilepsy (PMID: 30043187). Algorithms developed to predict the effect of sequence changes on RNA splicing suggest that this variant may disrupt the consensus splice site. In summary, the currently available evidence indicates that the variant is pathogenic, but additional data are needed to prove that conclusively. Therefore, this variant has been classified as Likely Pathogenic.

Literature cited by the submitters: PubMed 16199547; PubMed 16491085; PubMed 20554659; PubMed 30043187.

NM_001182.5(ALDH7A1):c.247-1G>T

Gene: ALDH7A1 (aldehyde dehydrogenase 7 family member A1; minus strand). Cytogenetic location: 5q23.2.
Variant type: single nucleotide variant.
Coding change: c.247-1G>T on transcript NM_001182.5 (MANE Select); the canonical splice acceptor site of the intron before coding-DNA position 247, G replaced by T.
Molecular consequence: splice acceptor variant.
Genome position (GRCh38, 1-based): chr5:126,592,730, C>A on the plus strand (G>T on the coding strand, the complement: ALDH7A1 is on the minus strand). VCF-style: chr5-126592730-C-A. GRCh37 (hg19) VCF-style: chr5-125928422-C-A.
Other names: c.247-1G>T (NM_001202404.2); c.163-1G>T (NM_001201377.2).
Identifiers: ClinVar variation 4719133 (VCV004719133.1).